The following is an entry in ClinVar:

NM_001384140.1(PCDH15):c.3554T>C (p.Ile1185Thr)

Gene: PCDH15 (protocadherin related 15; minus strand). Cytogenetic location: 10q21.1.
Variant type: single nucleotide variant.
Coding change: c.3554T>C on transcript NM_001384140.1 (MANE Select); coding-DNA position 3554, T replaced by C.
Protein change: p.Ile1185Thr; replaces isoleucine 1185 with threonine.
Molecular consequence: missense variant.
Genome position (GRCh38, 1-based): chr10:53,866,805, A>G on the plus strand (T>C on the coding strand, the complement: PCDH15 is on the minus strand). VCF-style: chr10-53866805-A-G. GRCh37 (hg19) VCF-style: chr10-55626565-A-G.
Other names: c.3569T>C, p.Ile1190Thr (NM_001142763.2, NM_001142771.2); c.3554T>C, p.Ile1185Thr (NM_001142764.2, NM_001142766.2, NM_001142770.3 and 4 more transcripts); c.3341T>C, p.Ile1114Thr (NM_001142765.2); c.3443T>C, p.Ile1148Thr (NM_001142767.2); c.3488T>C, p.Ile1163Thr (NM_001142768.2, NM_001142773.2, NM_001354404.2); c.3590T>C, p.Ile1197Thr (NM_001142769.4); c.3575T>C, p.Ile1192Thr (NM_001354411.2); short protein forms I1197T, I1114T, I1163T, I1148T, I1185T, I1190T, I1192T.
Identifiers: ClinVar variation 1908999 (VCV001908999.3), dbSNP rs1397396261, ClinGen allele CA376518104.

ClinVar aggregate classification (germline): Uncertain significance (1 of 4 stars; one submission).

Submission:

Labcorp Genetics (formerly Invitae), Labcorp
Classification: Uncertain significance. Last evaluated: 2025-09-02. Review status: criteria provided, single submitter. Criteria: Invitae Variant Classification Sherloc (09022015). Collection method: clinical testing. Allele origin: germline.
Comment: This sequence change replaces isoleucine, which is neutral and non-polar, with threonine, which is neutral and polar, at codon 1185 of the PCDH15 protein (p.Ile1185Thr). This variant is not present in population databases (gnomAD no frequency). This variant has not been reported in the literature in individuals affected with PCDH15-related conditions. ClinVar contains an entry for this variant (Variation ID: 1908999). Invitae Evidence Modeling of protein sequence and biophysical properties (such as structural, functional, and spatial information, amino acid conservation, physicochemical variation, residue mobility, and thermodynamic stability) indicates that this missense variant is not expected to disrupt PCDH15 protein function with a negative predictive value of 95%. In summary, the available evidence is currently insufficient to determine the role of this variant in disease. Therefore, it has been classified as a Variant of Uncertain Significance.